The following is an entry in ClinVar:

ClinVar aggregate classification (germline): Uncertain significance (1 of 4 stars; one submission).

Submissions (10):

Laboratory for Molecular Medicine, Mass General Brigham Personalized Medicine
Classification: Uncertain significance. Last evaluated: 2016-03-29. Review status: criteria provided, single submitter. Criteria: LMM Criteria. Collection method: clinical testing. Allele origin: germline.
Comment: Variant identified in a genome or exome case(s) and assessed due to predicted null impact of the variant or pathogenic assertions in the literature or databases. Disclaimer: This variant has not undergone full assessment. The following are preliminary notes: Gene associated with AR SCID. However, variant affects the last exon which has only one amino acid!

Dr. Peter K. Rogan Lab, Western University
No classification provided (evidence only). Condition: Cervical cancer. Review status: no classification provided. Collection method: in vitro. Allele origin: not applicable. Functional consequence: cryptic splice site, retained intron. Not counted in ClinVar's aggregate classification.

Dr. Peter K. Rogan Lab, Western University
No classification provided (evidence only). Condition: Sarcoma. Review status: no classification provided. Collection method: in vitro. Allele origin: not applicable. Functional consequence: retained intron. Not counted in ClinVar's aggregate classification.

Dr. Peter K. Rogan Lab, Western University
No classification provided (evidence only). Condition: Sarcoma. Review status: no classification provided. Collection method: in vitro. Allele origin: not applicable. Functional consequence: retained intron. Not counted in ClinVar's aggregate classification.

Dr. Peter K. Rogan Lab, Western University
No classification provided (evidence only). Condition: Sarcoma. Review status: no classification provided. Collection method: in vitro. Allele origin: not applicable. Functional consequence: cryptic splice site, retained intron. Not counted in ClinVar's aggregate classification.

Dr. Peter K. Rogan Lab, Western University
No classification provided (evidence only). Condition: Sarcoma. Review status: no classification provided. Collection method: in vitro. Allele origin: not applicable. Functional consequence: cryptic splice site. Not counted in ClinVar's aggregate classification.

Dr. Peter K. Rogan Lab, Western University
No classification provided (evidence only). Condition: Nonpapillary renal cell carcinoma. Review status: no classification provided. Collection method: in vitro. Allele origin: not applicable. Functional consequence: retained intron. Not counted in ClinVar's aggregate classification.

Dr. Peter K. Rogan Lab, Western University
No classification provided (evidence only). Condition: Malignant tumor of esophagus. Review status: no classification provided. Collection method: in vitro. Allele origin: not applicable. Functional consequence: retained intron. Not counted in ClinVar's aggregate classification.

Dr. Peter K. Rogan Lab, Western University
No classification provided (evidence only). Condition: Malignant tumor of esophagus. Review status: no classification provided. Collection method: in vitro. Allele origin: not applicable. Functional consequence: retained intron. Not counted in ClinVar's aggregate classification.

Dr. Peter K. Rogan Lab, Western University
No classification provided (evidence only). Condition: Malignant tumor of esophagus. Review status: no classification provided. Collection method: in vitro. Allele origin: not applicable. Functional consequence: cryptic splice site. Not counted in ClinVar's aggregate classification.

NM_001625.4(AK2):c.*2347G>T

Gene: AK2 (adenylate kinase 2; minus strand). Cytogenetic location: 1p35.1.
Variant type: single nucleotide variant.
Coding change: c.*2347G>T on transcript NM_001625.4 (MANE Select); 2347 bases downstream of the stop codon, G replaced by T.
Molecular consequence: 3 prime UTR variant. On other transcripts: splice acceptor variant (5).
Genome position (GRCh38, 1-based): chr1:33,010,834, C>A on the plus strand (G>T on the coding strand, the complement: AK2 is on the minus strand). VCF-style: chr1-33010834-C-A. GRCh37 (hg19) VCF-style: chr1-33476435-C-A.
Other names: c.*2347G>T (NM_001319140.2); c.*2570G>T (NM_001319143.2); c.695-1G>T (NM_013411.5); c.569-1G>T (NM_001319142.3); c.671-1G>T (NM_001199199.3); c.*45-1G>T (NM_001319141.3); c.551-1G>T (NM_001319139.3).
Identifiers: ClinVar variation 402355 (VCV000402355.5), dbSNP rs1045885332, ClinGen allele CA16609711.